The following is an entry in ClinVar:

ClinVar aggregate classification (germline): Benign (1 of 4 stars; one submission).

Conditions:
Autosomal dominant nocturnal frontal lobe epilepsy 4. Also called: EPILEPSY, FAMILIAL, WITH NOCTURNAL WANDERING AND ICTAL FEAR; CHRNA2-Related Nocturnal Frontal Lobe Epilepsy, Autosomal Dominant. Identifiers: Orphanet 98784, MedGen C1835905, MONDO:0012474, OMIM 610353.

Allele frequency attached by ClinVar (database versions not stated): gnomAD 0.00063 and 0.00066; TOPMed 0.00072; 1000 Genomes Project 0.00080; 1000 Genomes Project 30x 0.00125.

Submission:

Illumina Laboratory Services, Illumina
Classification: Benign for Autosomal dominant nocturnal frontal lobe epilepsy 4. Last evaluated: 2018-01-13. Review status: criteria provided, single submitter. Criteria: ICSL Variant Classification Criteria 13 December 2019. Collection method: clinical testing. Allele origin: germline.
Comment: This variant was observed in the ICSL laboratory as part of a predisposition screen in an ostensibly healthy population. It had not been previously curated by ICSL or reported in the Human Gene Mutation Database (HGMD: prior to June 1st, 2018), and was therefore a candidate for classification through an automated scoring system. Utilizing variant allele frequency, disease prevalence and penetrance estimates, and inheritance mode, an automated score was calculated to assess if this variant is too frequent to cause the disease. Based on the score and internal cut-off values, a variant classified as benign is not then subjected to further curation. The score for this variant resulted in a classification of benign for this disease.

NM_000742.4(CHRNA2):c.*771C>T

Gene: CHRNA2 (cholinergic receptor nicotinic alpha 2 subunit; minus strand). Cytogenetic location: 8p21.2.
Variant type: single nucleotide variant.
Coding change: c.*771C>T on transcript NM_000742.4 (MANE Select); 771 bases downstream of the stop codon, C replaced by T.
Molecular consequence: 3 prime UTR variant.
Genome position (GRCh38, 1-based): chr8:27,460,858, G>A on the plus strand (C>T on the coding strand, the complement: CHRNA2 is on the minus strand). VCF-style: chr8-27460858-G-A. GRCh37 (hg19) VCF-style: chr8-27318375-G-A.
Other names: c.*771C>T (NM_001282455.2, NM_001347705.2, NM_001347706.2 and 2 more transcripts).
Identifiers: ClinVar variation 362681 (VCV000362681.5), dbSNP rs572058986, ClinGen allele CA10625276.